The following is an entry in ClinVar:

ClinVar aggregate classification (germline): Conflicting classifications of pathogenicity. Review status: criteria provided, conflicting classifications (1 of 4 stars). 4 submissions from 4 submitters: Uncertain significance (2); Likely benign (1). 1 of the submissions does not count toward it. Last evaluated 2024-12-02.

Conditions:
Retinitis pigmentosa 25 (RP25). Identifiers: Orphanet 791, MedGen C1864446, MONDO:0011272, OMIM 602772.
Inborn genetic diseases. Identifiers: MedGen C0950123, MeSH D030342.

Allele frequency attached by ClinVar (database versions not stated): ExAC 0.00005; gnomAD 0.00006; gnomAD exomes 0.00006 and 0.00007; TOPMed 0.00010; ESP Exome Variant Server 0.00022.
gnomAD v4.1: 96 of 1,551,080 alleles (0.0062%); highest among the groups gnomAD compares: African/African-American, 0.019%; no homozygotes.

Submissions (4):

Labcorp Genetics (formerly Invitae), Labcorp
Classification: Uncertain significance. Last evaluated: 2024-12-02. Review status: criteria provided, single submitter. Criteria: Invitae Variant Classification Sherloc (09022015). Collection method: clinical testing. Allele origin: germline.
Comment: This sequence change replaces arginine, which is basic and polar, with glutamine, which is neutral and polar, at codon 1349 of the EYS protein (p.Arg1349Gln). This variant is present in population databases (rs368698537, gnomAD 0.02%). This variant has not been reported in the literature in individuals affected with EYS-related conditions. ClinVar contains an entry for this variant (Variation ID: 866084). Invitae Evidence Modeling of protein sequence and biophysical properties (such as structural, functional, and spatial information, amino acid conservation, physicochemical variation, residue mobility, and thermodynamic stability) indicates that this missense variant is not expected to disrupt EYS protein function with a negative predictive value of 80%. In summary, the available evidence is currently insufficient to determine the role of this variant in disease. Therefore, it has been classified as a Variant of Uncertain Significance.

Blueprint Genetics
Classification: Uncertain significance. Last evaluated: 2024-08-21. Review status: criteria provided, single submitter. Criteria: ACMG Guidelines, 2015. Collection method: clinical testing. Allele origin: germline.

Ambry Genetics
Classification: Likely benign for Inborn genetic diseases. Last evaluated: 2024-03-12. Review status: criteria provided, single submitter. Criteria: Ambry Variant Classification Scheme 2023. Collection method: clinical testing. Allele origin: germline.

Natera, Inc.
Classification: Uncertain significance for Retinitis pigmentosa type 25. Last evaluated: 2020-12-09. Review status: no assertion criteria provided. Collection method: clinical testing. Allele origin: germline. Not counted in ClinVar's aggregate classification.

NM_001142800.2(EYS):c.4046G>A (p.Arg1349Gln)

Gene: EYS (EGF-like photoreceptor maintenance factor; minus strand). Cytogenetic location: 6q12.
Variant type: single nucleotide variant.
Coding change: c.4046G>A on transcript NM_001142800.2 (MANE Select); coding-DNA position 4046, G replaced by A.
Protein change: p.Arg1349Gln; replaces arginine 1349 with glutamine.
Molecular consequence: missense variant.
Genome position (GRCh38, 1-based): chr6:64,591,821, C>T on the plus strand (G>A on the coding strand, the complement: EYS is on the minus strand). VCF-style: chr6-64591821-C-T. GRCh37 (hg19) VCF-style: chr6-65301714-C-T.
Other names: c.4046G>A, p.Arg1349Gln (NM_001292009.2); short protein forms R1349Q.
Identifiers: ClinVar variation 866084 (VCV000866084.8), dbSNP rs368698537, ClinGen allele CA3877110.